The following is an entry in ClinVar:

ClinVar aggregate classification (germline): Pathogenic (1 of 4 stars; one submission).

Conditions:
Curry-Hall syndrome (WAD). Also called: WEYERS ACRODENTAL DYSOSTOSIS. Identifiers: Orphanet 952, MedGen C0457013, MONDO:0008673, OMIM 193530.
Ellis-van Creveld syndrome (EVC). Also called: Chondroectodermal dysplasia; MESOECTODERMAL DYSPLASIA; EVC-Related Ellis-van Creveld Syndrome; EVC2-Related Ellis-van Creveld Syndrome. Identifiers: Orphanet 289, MedGen C0013903, MONDO:0009162, OMIM 225500.

Submission:

Labcorp Genetics (formerly Invitae), Labcorp
Classification: Pathogenic for Curry-Hall syndrome; Ellis-van Creveld syndrome. Last evaluated: 2020-07-17. Review status: criteria provided, single submitter. Criteria: Invitae Variant Classification Sherloc (09022015). Collection method: clinical testing. Allele origin: germline.
Comment: For these reasons, this variant has been classified as Pathogenic. Loss-of-function variants in EVC2 are known to be pathogenic (PMID: 17024374, 19810119, 19876929). This variant has not been reported in the literature in individuals with EVC2-related conditions. This variant is not present in population databases (ExAC no frequency). This sequence change creates a premature translational stop signal (p.Tyr470*) in the EVC2 gene. It is expected to result in an absent or disrupted protein product.

Literature cited by the submitters: PubMed 17024374; PubMed 19810119; PubMed 19876929.

NM_147127.5(EVC2):c.1410C>G (p.Tyr470Ter)

Genes: EVC2 (EvC ciliary complex subunit 2; minus strand), LOC126806961 (BRD4-independent group 4 enhancer GRCh37_chr4:5641443-5642642; plus strand). Cytogenetic location: 4p16.2.
Variant type: single nucleotide variant.
Coding change: c.1410C>G on transcript NM_147127.5 (MANE Select); coding-DNA position 1410, C replaced by G.
Protein change: p.Tyr470Ter; replaces tyrosine 470 with a stop codon.
Molecular consequence: nonsense.
Genome position (GRCh38, 1-based): chr4:5,640,574, G>C on the plus strand (C>G on the coding strand, the complement: EVC2 is on the minus strand). VCF-style: chr4-5640574-G-C. GRCh37 (hg19) VCF-style: chr4-5642301-G-C.
Other names: c.1170C>G, p.Tyr390Ter (NM_001166136.2); short protein forms Y390*, Y470*.
Identifiers: ClinVar variation 1076001 (VCV001076001.8), dbSNP rs2108863739, ClinGen allele CA356151412.